The following is an entry in ClinVar:

ClinVar aggregate classification (germline): Pathogenic (1 of 4 stars; one submission).

Conditions:
Hereditary cancer-predisposing syndrome. Also called: Neoplastic Syndromes, Hereditary; Tumor predisposition; Hereditary Cancer Syndrome; Hereditary neoplastic syndrome. Identifiers: Orphanet 140162, MedGen C0027672, MeSH D009386, MONDO:0015356.
Cardiovascular phenotype. Identifiers: MedGen CN230736.

Submission:

Ambry Genetics
Classification: Pathogenic for Cardiovascular phenotype; Hereditary cancer-predisposing syndrome. Last evaluated: 2020-09-11. Review status: criteria provided, single submitter. Criteria: Ambry Variant Classification Scheme 2023. Collection method: clinical testing. Allele origin: germline.
Comment: The c.2178_2179dupCA pathogenic mutation, located in coding exon 18 of the LZTR1 gene, results from a duplication of CA at nucleotide position 2178, causing a translational frameshift with a predicted alternate stop codon (p.I727Tfs*41). This alteration is expected to result in loss of function by premature protein truncation or nonsense-mediated mRNA decay. As such, this alteration is interpreted as a disease-causing mutation.

NM_006767.4(LZTR1):c.2178_2179dup (p.Ile727fs)

Gene: LZTR1 (leucine zipper like post translational regulator 1; plus strand). Cytogenetic location: 22q11.21.
Variant type: Duplication.
Coding change: c.2178_2179dup on transcript NM_006767.4 (MANE Select); coding-DNA positions 2178 to 2179, 2 bases duplicated (CA; older notation c.2178_2179dupCA).
Protein change: p.Ile727fs; shifts the reading frame from isoleucine 727.
Molecular consequence: frameshift variant.
Genome position (GRCh38, 1-based): chr22:20,996,071-20,996,072, CA duplicated; duplicating any 2 consecutive bases within chr22:20,996,070-20,996,072 gives the same sequence; the c. name uses the placement nearest the transcript's 3' end. VCF-style (leftmost placement, unchanged base first): chr22-20996069-T-TAC. GRCh37 (hg19) VCF-style: chr22-21350358-T-TAC.
Other names: short protein forms I727fs.
Identifiers: ClinVar variation 1787204 (VCV001787204.2), dbSNP rs2518624656, ClinGen allele CA2580099286.